The following is an entry in ClinVar:

ClinVar aggregate classification (germline): Uncertain significance. Review status: criteria provided, multiple submitters, no conflicts (2 of 4 stars). 4 submissions from 4 submitters: Uncertain significance (4). Last evaluated 2022-05-01.

Conditions:
Early-infantile DEE. Also called: Ohtahara syndrome; Early infantile epileptic encephalopathy; Early infantile epileptic encephalopathy with suppression bursts. Identifiers: Orphanet 1934, MedGen C0393706, MONDO:0800491.
Developmental and epileptic encephalopathy, 5 (DEE5). Identifiers: Orphanet 3451, MedGen C3150731, MONDO:0013277, OMIM 613477.

Allele frequency attached by ClinVar (database versions not stated): gnomAD 0.00001; gnomAD exomes 0.00001; ExAC 0.00002.
gnomAD v4.1: 18 of 1,614,022 alleles (0.0011%); highest among the groups gnomAD compares: Non-Finnish European, 0.0014%; no homozygotes.

Submissions (4):

CeGaT Center for Human Genetics Tuebingen
Classification: Uncertain significance. Last evaluated: 2022-05-01. Review status: criteria provided, single submitter. Criteria: CeGaT Center For Human Genetics Tuebingen Variant Classification Criteria Version 2. Collection method: clinical testing. Allele origin: germline. Affected: yes. Observed: 1 variant allele.
Comment: SPTAN1: PP2

Genome-Nilou Lab
Classification: Uncertain significance for Developmental and epileptic encephalopathy, 5. Last evaluated: 2021-07-15. Review status: criteria provided, single submitter. Criteria: ACMG Guidelines, 2015. Collection method: clinical testing. Allele origin: germline. Affected: no.

Fulgent Genetics
Classification: Uncertain significance for Developmental and epileptic encephalopathy, 5. Last evaluated: 2018-10-31. Review status: criteria provided, single submitter. Criteria: ACMG Guidelines, 2015. Collection method: clinical testing. Allele origin: unknown.

Labcorp Genetics (formerly Invitae), Labcorp
Classification: Uncertain significance for Early-infantile DEE. Last evaluated: 2018-01-02. Review status: criteria provided, single submitter. Criteria: Invitae Variant Classification Sherloc (09022015). Collection method: clinical testing. Allele origin: germline.
Comment: In summary, the available evidence is currently insufficient to determine the role of this variant in disease. Therefore, it has been classified as a Variant of Uncertain Significance. Algorithms developed to predict the effect of missense changes on protein structure and function (SIFT, PolyPhen-2, Align-GVGD) all suggest that this variant is likely to be disruptive, but these predictions have not been confirmed by published functional studies and their clinical significance is uncertain. This variant has not been reported in the literature in individuals with SPTAN1-related disease. This variant is present in population databases (rs772367229, ExAC 0.01%). This sequence change replaces arginine with histidine at codon 259 of the SPTAN1 protein (p.Arg259His). The arginine residue is highly conserved and there is a small physicochemical difference between arginine and histidine.

NM_001130438.3(SPTAN1):c.776G>A (p.Arg259His)

Gene: SPTAN1 (spectrin alpha, non-erythrocytic 1; plus strand). Cytogenetic location: 9q34.11.
Variant type: single nucleotide variant.
Coding change: c.776G>A on transcript NM_001130438.3 (MANE Select); coding-DNA position 776, G replaced by A.
Protein change: p.Arg259His; replaces arginine 259 with histidine.
Molecular consequence: missense variant.
Genome position (GRCh38, 1-based): chr9:128,576,947, G>A. VCF-style: chr9-128576947-G-A. GRCh37 (hg19) VCF-style: chr9-131339226-G-A.
Other names: c.776G>A, p.Arg259His (NM_001195532.2, NM_001363759.2, NM_001363765.2 and 1 more transcripts); short protein forms R259H.
Identifiers: ClinVar variation 576053 (VCV000576053.37), dbSNP rs772367229, ClinGen allele CA5264245.